The following is an entry in ClinVar:

NM_007175.8(ERLIN2):c.766G>A (p.Ala256Thr)

Gene: ERLIN2 (ER lipid raft associated 2; plus strand). Cytogenetic location: 8p11.23.
Variant type: single nucleotide variant.
Coding change: c.766G>A on transcript NM_007175.8 (MANE Select); coding-DNA position 766, G replaced by A.
Protein change: p.Ala256Thr; replaces alanine 256 with threonine.
Molecular consequence: missense variant.
Genome position (GRCh38, 1-based): chr8:37,753,476, G>A. VCF-style: chr8-37753476-G-A. GRCh37 (hg19) VCF-style: chr8-37610994-G-A.
Other names: c.766G>A, p.Ala256Thr (NM_001362878.2); short protein forms A256T.
Identifiers: ClinVar variation 4881387 (VCV004881387.2).

ClinVar aggregate classification (germline): Uncertain significance (1 of 4 stars; one submission).

Conditions:
Spastic paraplegia 18a, autosomal dominant. Identifiers: MedGen C5882694, MONDO:0957788, OMIM 620512.

gnomAD v4.1: 7 of 1,614,168 alleles (0.00043%); highest among the groups gnomAD compares: Non-Finnish European, 0.00059%; no homozygotes.

Submission:

Dasa
Classification: Uncertain significance for Spastic paraplegia 18a, autosomal dominant. Last evaluated: 2025-12-20. Review status: criteria provided, single submitter. Criteria: DASA Assertion Criteria. Collection method: clinical testing. Allele origin: germline.
Comment: NM_007175.8(ERLIN2):c.766G>A (p.Ala256Thr) is a missense variant that results in the substitution of alanine with threonine. This variant is rare in population databases. The currently available literature and clinical evidence are not sufficient to establish a definitive association between this variant and the reported condition. Therefore, this variant is classified as a variant of uncertain significance.